The following is an entry in ClinVar:

NM_022437.3(ABCG8):c.1170G>A (p.Thr390=)

Gene: ABCG8 (ATP binding cassette subfamily G member 8; plus strand). Cytogenetic location: 2p21.
Variant type: single nucleotide variant.
Coding change: c.1170G>A on transcript NM_022437.3 (MANE Select); coding-DNA position 1170, G replaced by A.
Protein change: p.Thr390=; no amino-acid change (threonine 390 retained).
Molecular consequence: synonymous variant.
Genome position (GRCh38, 1-based): chr2:43,872,265, G>A. VCF-style: chr2-43872265-G-A. GRCh37 (hg19) VCF-style: chr2-44099404-G-A.
Other names: p.Thr390=; c.1167G>A, p.Thr389= (NM_001357321.2).
Identifiers: ClinVar variation 336076 (VCV000336076.24), dbSNP rs139902223, ClinGen allele CA1637329.

ClinVar aggregate classification (germline): Conflicting classifications of pathogenicity. Review status: criteria provided, conflicting classifications (1 of 4 stars). 9 submissions from 9 submitters: Uncertain significance (1); Benign (2); Likely benign (5). 1 of the submissions does not count toward it. Last evaluated 2026-02-03.

Conditions:
ABCG8-related disorder. Also called: ABCG8-related condition.
Sitosterolemia 1. Identifiers: MedGen C2749759, MONDO:0020747, OMIM 210250.
Cardiovascular phenotype. Identifiers: MedGen CN230736.

Allele frequency attached by ClinVar (database versions not stated): gnomAD 0.00144 and 0.00158; 1000 Genomes Project 30x 0.00156; TOPMed 0.00158; ESP Exome Variant Server 0.00223; gnomAD exomes 0.00037; ExAC 0.00047; 1000 Genomes Project 0.00140.
gnomAD v4.1: 511 of 1,613,948 alleles (0.032%); highest among the groups gnomAD compares: African/African-American, 0.59%; 3 homozygotes.

Submissions (9):

Labcorp Genetics (formerly Invitae), Labcorp
Classification: Benign. Last evaluated: 2026-02-03. Review status: criteria provided, single submitter. Criteria: Invitae Variant Classification Sherloc (09022015). Collection method: clinical testing. Allele origin: germline.

Mayo Clinic Laboratories, Mayo Clinic
Classification: Benign. Last evaluated: 2025-10-10. Review status: criteria provided, single submitter. Criteria: ACMG Guidelines, 2015. Collection method: clinical testing. Allele origin: germline. Observed: 2 variant alleles.
Comment: BS1, BS2, BP4, BP7

Laboratory of Genetics, Children's Clinical University Hospital Latvia
Classification: Likely benign. Last evaluated: 2025-02-16. Review status: criteria provided, single submitter. Criteria: ACMG Guidelines, 2015. Collection method: clinical testing. Allele origin: germline. Affected: yes.

Women's Health and Genetics/Laboratory Corporation of America, LabCorp
Classification: Likely benign. Last evaluated: 2024-07-27. Review status: criteria provided, single submitter. Criteria: LabCorp Variant Classification Summary - May 2015. Collection method: clinical testing. Allele origin: germline.

Blueprint Genetics
Classification: Likely benign. Last evaluated: 2024-03-26. Review status: criteria provided, single submitter. Criteria: ACMG Guidelines, 2015. Collection method: clinical testing. Allele origin: germline.

Ambry Genetics
Classification: Likely benign for Cardiovascular phenotype. Last evaluated: 2022-02-11. Review status: criteria provided, single submitter. Criteria: Ambry Variant Classification Scheme 2023. Collection method: clinical testing. Allele origin: germline.

Illumina Laboratory Services, Illumina
Classification: Uncertain significance for Sitosterolemia 1. Last evaluated: 2018-01-13. Review status: criteria provided, single submitter. Criteria: ICSL Variant Classification Criteria 13 December 2019. Collection method: clinical testing. Allele origin: germline.

Eurofins Ntd Llc (ga)
Classification: Likely benign. Last evaluated: 2016-11-22. Review status: criteria provided, single submitter. Criteria: EGL Classification Definitions 2015. Collection method: clinical testing. Allele origin: germline. Observed: 1 variant allele, 1 heterozygote.

PreventionGenetics, part of Exact Sciences
Classification: Likely benign for ABCG8-related condition. Last evaluated: 2021-03-24. Review status: no assertion criteria provided. Collection method: clinical testing. Allele origin: germline. Not counted in ClinVar's aggregate classification.
Comment: This variant is classified as likely benign based on ACMG/AMP sequence variant interpretation guidelines (Richards et al. 2015 PMID: 25741868, with internal and published modifications).